The following is an entry in ClinVar:

NM_004304.5(ALK):c.3720G>C (p.Leu1240Phe)

Gene: ALK (ALK receptor tyrosine kinase; minus strand). Cytogenetic location: 2p23.2.
Variant type: single nucleotide variant.
Coding change: c.3720G>C on transcript NM_004304.5 (MANE Select); coding-DNA position 3720, G replaced by C.
Protein change: p.Leu1240Phe; replaces leucine 1240 with phenylalanine.
Molecular consequence: missense variant.
Genome position (GRCh38, 1-based): chr2:29,214,007, C>G on the plus strand (G>C on the coding strand, the complement: ALK is on the minus strand). VCF-style: chr2-29214007-C-G. GRCh37 (hg19) VCF-style: chr2-29436873-C-G.
Other names: c.516G>C, p.Leu172Phe (NM_001353765.2); short protein forms L1240F, L172F.
Identifiers: ClinVar variation 2586678 (VCV002586678.2), dbSNP rs2465922622, ClinGen allele CA346471258.

ClinVar aggregate classification (germline): Uncertain significance (1 of 4 stars; one submission).

Conditions:
Hereditary cancer-predisposing syndrome. Also called: Hereditary neoplastic syndrome; Tumor predisposition; Hereditary Cancer Syndrome; Neoplastic Syndromes, Hereditary. Identifiers: Orphanet 140162, MedGen C0027672, MeSH D009386, MONDO:0015356.

Submission:

Ambry Genetics
Classification: Uncertain significance for Hereditary cancer-predisposing syndrome. Last evaluated: 2023-07-03. Review status: criteria provided, single submitter. Criteria: Ambry Variant Classification Scheme 2023. Collection method: clinical testing. Allele origin: germline.
Comment: The p.L1240F variant (also known as c.3720G>C), located in coding exon 24 of the ALK gene, results from a G to C substitution at nucleotide position 3720. The leucine at codon 1240 is replaced by phenylalanine, an amino acid with highly similar properties. This amino acid position is conserved. In addition, this alteration is predicted to be deleterious by in silico analysis. Since supporting evidence is limited at this time, the clinical significance of this alteration remains unclear.